The following is an entry in ClinVar:

ClinVar aggregate classification (germline): Likely benign (1 of 4 stars; one submission).

Conditions:
NTN1-related disorder. Also called: NTN1-related condition.

gnomAD v4.1: 125 of 1,613,342 alleles (0.0077%); highest among the groups gnomAD compares: South Asian, 0.041%; no homozygotes.

Submission:

PreventionGenetics, part of Exact Sciences
Classification: Likely benign for NTN1-related condition. Last evaluated: 2026-09-03. Review status: criteria provided, single submitter. Criteria: ACMG Guidelines, 2015. Collection method: clinical testing. Allele origin: germline.
Comment: This variant is classified as likely benign based on ACMG/AMP sequence variant interpretation guidelines (Richards et al. 2015 PMID: 25741868, with internal and published modifications).

NM_004822.3(NTN1):c.1344C>T (p.Ile448=)

Gene: NTN1 (netrin 1; plus strand). Cytogenetic location: 17p13.1.
Variant type: single nucleotide variant.
Coding change: c.1344C>T on transcript NM_004822.3 (MANE Select); coding-DNA position 1344, C replaced by T.
Protein change: p.Ile448=; no amino-acid change (isoleucine 448 retained).
Molecular consequence: synonymous variant.
Genome position (GRCh38, 1-based): chr17:9,179,943, C>T. VCF-style: chr17-9179943-C-T. GRCh37 (hg19) VCF-style: chr17-9083260-C-T.
Identifiers: ClinVar variation 4984489 (VCV004984489.1).